The following is an entry in ClinVar:

ClinVar aggregate classification (germline): Benign/Likely benign. Review status: criteria provided, multiple submitters, no conflicts (2 of 4 stars). 4 submissions from 4 submitters: Benign (1); Likely benign (2). 1 of the submissions does not count toward it. Last evaluated 2024-05-13.

Conditions:
Familial cancer of breast. Also called: BREAST CANCER, FAMILIAL; Hereditary breast cancer; hereditary breast carcinoma. Identifiers: Orphanet 227535, MedGen C0346153, MONDO:0016419, OMIM 114480. Disease mechanism: loss of function.
Ataxia-telangiectasia syndrome (AT). Also called: Ataxia-telangiectasia, complementation group E; Ataxia-telangiectasia, complementation group D; Ataxia telangiectasia (A-T); LOUIS-BAR SYNDROME; ATAXIA-TELANGIECTASIA, COMPLEMENTATION GROUP A; ATAXIA-TELANGIECTASIA, FRESNO VARIANT. Identifiers: Orphanet 100, MedGen C0004135, MONDO:0008840, OMIM 208900.
Hereditary cancer-predisposing syndrome. Also called: Neoplastic Syndromes, Hereditary; Hereditary Cancer Syndrome; Tumor predisposition; Hereditary neoplastic syndrome. Identifiers: Orphanet 140162, MedGen C0027672, MeSH D009386, MONDO:0015356.

Allele frequency attached by ClinVar (database versions not stated): gnomAD 0.00001; gnomAD exomes 0.00001; TOPMed 0.00001; ESP Exome Variant Server 0.00008.
gnomAD v4.1: 8 of 1,613,612 alleles (0.0005%); highest among the groups gnomAD compares: African/African-American, 0.0013%; no homozygotes.

Submissions (4):

Myriad Genetics, Inc.
Classification: Benign for Familial cancer of breast. Last evaluated: 2024-05-13. Review status: criteria provided, single submitter. Criteria: Myriad Autosomal Dominant, Autosomal Recessive and X-Linked Classification Criteria (2023). Collection method: clinical testing. Allele origin: unknown.
Comment: This variant is considered benign. This variant is a silent/synonymous amino acid change and it is not expected to impact splicing.

Labcorp Genetics (formerly Invitae), Labcorp
Classification: Likely benign for Ataxia-telangiectasia syndrome. Last evaluated: 2022-07-19. Review status: criteria provided, single submitter. Criteria: Invitae Variant Classification Sherloc (09022015). Collection method: clinical testing. Allele origin: germline.

Ambry Genetics
Classification: Likely benign for Hereditary cancer-predisposing syndrome. Last evaluated: 2019-05-14. Review status: criteria provided, single submitter. Criteria: Ambry Variant Classification Scheme 2023. Collection method: clinical testing. Allele origin: germline.

Natera, Inc.
Classification: Uncertain significance for Ataxia-telangiectasia. Last evaluated: 2025-03-13. Review status: no assertion criteria provided. Collection method: clinical testing. Allele origin: germline. Not counted in ClinVar's aggregate classification.

NM_000051.4(ATM):c.3114A>T (p.Val1038=)

Gene: ATM (ATM serine/threonine kinase; plus strand). Cytogenetic location: 11q22.3.
Variant type: single nucleotide variant.
Coding change: c.3114A>T on transcript NM_000051.4 (MANE Select); coding-DNA position 3114, A replaced by T.
Protein change: p.Val1038=; no amino-acid change (valine 1038 retained).
Molecular consequence: synonymous variant.
Genome position (GRCh38, 1-based): chr11:108,272,568, A>T. VCF-style: chr11-108272568-A-T. GRCh37 (hg19) VCF-style: chr11-108143295-A-T.
Other names: c.3114A>T, p.Val1038= (NM_001351834.2).
Identifiers: ClinVar variation 794503 (VCV000794503.12), dbSNP rs374451781, ClinGen allele CA228357695.